The following is an entry in ClinVar:

ClinVar aggregate classification (germline): Likely benign (1 of 4 stars; one submission).

gnomAD v4.1: 5 of 1,613,894 alleles (0.00031%); highest among the groups gnomAD compares: East Asian, 0.0067%; no homozygotes.

Submission:

Molecular Diagnostic Laboratory for Inherited Cardiovascular Disease, Montreal Heart Institute
Classification: Likely benign. Last evaluated: 2026-03-27. Review status: criteria provided, single submitter. Criteria: ACMG Guidelines, 2015. Collection method: clinical testing. Allele origin: germline. Affected: no.
Comment: BP1

NM_001267550.2(TTN):c.5545C>G (p.Pro1849Ala)

Gene: TTN (titin; minus strand). Cytogenetic location: 2q31.2.
Variant type: single nucleotide variant.
Coding change: c.5545C>G on transcript NM_001267550.2 (MANE Select); coding-DNA position 5545, C replaced by G.
Protein change: p.Pro1849Ala; replaces proline 1849 with alanine.
Molecular consequence: missense variant.
Genome position (GRCh38, 1-based): chr2:178,776,319, G>C on the plus strand (C>G on the coding strand, the complement: TTN is on the minus strand). VCF-style: chr2-178776319-G-C. GRCh37 (hg19) VCF-style: chr2-179641046-G-C.
Other names: c.5545C>G, p.Pro1849Ala (NM_001256850.1, NM_133378.4, NM_133379.5); c.5407C>G, p.Pro1803Ala (NM_003319.4, NM_133432.3, NM_133437.4); short protein forms P1803A, P1849A.
Identifiers: ClinVar variation 4820378 (VCV004820378.1), dbSNP rs771747683.